The following is an entry in ClinVar:

ClinVar aggregate classification (germline): Uncertain significance (1 of 4 stars; one submission).

Allele frequency attached by ClinVar (database versions not stated): gnomAD 0.00001; ExAC 0.00002; TOPMed 0.00001.
gnomAD v4.1: 22 of 1,603,486 alleles (0.0014%); highest among the groups gnomAD compares: Middle Eastern, 0.017%; no homozygotes.

Submission:

Labcorp Genetics (formerly Invitae), Labcorp
Classification: Uncertain significance. Last evaluated: 2021-12-23. Review status: criteria provided, single submitter. Criteria: Invitae Variant Classification Sherloc (09022015). Collection method: clinical testing. Allele origin: germline.
Comment: This sequence change replaces proline, which is neutral and non-polar, with leucine, which is neutral and non-polar, at codon 324 of the FOXI1 protein (p.Pro324Leu). This variant is present in population databases (rs780081377, gnomAD 0.007%). This variant has not been reported in the literature in individuals affected with FOXI1-related conditions. Algorithms developed to predict the effect of missense changes on protein structure and function are either unavailable or do not agree on the potential impact of this missense change (SIFT: "Deleterious"; PolyPhen-2: "Benign"; Align-GVGD: "Class C65"). In summary, the available evidence is currently insufficient to determine the role of this variant in disease. Therefore, it has been classified as a Variant of Uncertain Significance.

NM_012188.5(FOXI1):c.971C>T (p.Pro324Leu)

Gene: FOXI1 (forkhead box I1; plus strand). Cytogenetic location: 5q35.1.
Variant type: single nucleotide variant.
Coding change: c.971C>T on transcript NM_012188.5 (MANE Select); coding-DNA position 971, C replaced by T.
Protein change: p.Pro324Leu; replaces proline 324 with leucine.
Molecular consequence: missense variant.
Genome position (GRCh38, 1-based): chr5:170,108,445, C>T. VCF-style: chr5-170108445-C-T. GRCh37 (hg19) VCF-style: chr5-169535449-C-T.
Other names: c.686C>T, p.Pro229Leu (NM_144769.4); short protein forms P324L, P229L.
Identifiers: ClinVar variation 2068423 (VCV002068423.4), dbSNP rs780081377, ClinGen allele CA3555145.